The following is an entry in ClinVar:

ClinVar aggregate classification (germline): Uncertain significance (1 of 4 stars; one submission).

Conditions:
Pyogenic arthritis-pyoderma gangrenosum-acne syndrome (PAPA). Also called: FAMILIAL RECURRENT ARTHRITIS; PAPA SYNDROME. Identifiers: Orphanet 69126, MedGen C1858361, MONDO:0011462, OMIM 604416.

Submission:

Labcorp Genetics (formerly Invitae), Labcorp
Classification: Uncertain significance for Pyogenic arthritis-pyoderma gangrenosum-acne syndrome. Last evaluated: 2023-10-04. Review status: criteria provided, single submitter. Criteria: Invitae Variant Classification Sherloc (09022015). Collection method: clinical testing. Allele origin: unknown.
Comment: This variant is a gross deletion of the genomic region encompassing exon(s) 4-5 of the PSTPIP1 gene. This deletion is out-of-frame, and is expected to create a premature translational stop signal and result in an absent or disrupted protein product. However, the current clinical and genetic evidence is not sufficient to establish whether loss-of-function variants in PSTPIP1 cause disease. This variant has not been reported in the literature in individuals affected with PSTPIP1-related conditions. In summary, the available evidence is currently insufficient to determine the role of this variant in disease. Therefore, it has been classified as a Variant of Uncertain Significance.

NC_000015.9:g.(?_77317605)_(77317965_?)del

Gene: PSTPIP1 (proline-serine-threonine phosphatase interacting protein 1; plus strand). Cytogenetic location: 15q24.3.
Variant type: Deletion.
Identifiers: ClinVar variation 3243782 (VCV003243782.1).